The following is an entry in ClinVar:

ClinVar aggregate classification (germline): Conflicting classifications of pathogenicity. Review status: criteria provided, conflicting classifications (1 of 4 stars). 7 submissions from 7 submitters: Uncertain significance (2); Benign (1); Likely benign (2). 2 of the submissions do not count toward it. Last evaluated 2025-08-30.

Conditions:
KRT9-related disorder. Also called: KRT9-related condition.
Palmoplantar keratoderma, epidermolytic. Also called: Localized epidermolytic hyperkeratosis. Identifiers: MedGen C1721006, MONDO:0968949, HP:0007559.

Allele frequency attached by ClinVar (database versions not stated): gnomAD 0.00043 and 0.00058; gnomAD exomes 0.00051 and 0.00123; TOPMed 0.00094; ExAC 0.00118; 1000 Genomes Project 30x 0.00375; 1000 Genomes Project 0.00379.
gnomAD v4.1: 835 of 1,614,182 alleles (0.052%); highest among the groups gnomAD compares: East Asian, 1.6%; 5 homozygotes.

Submissions (7):

Labcorp Genetics (formerly Invitae), Labcorp
Classification: Benign. Last evaluated: 2025-08-30. Review status: criteria provided, single submitter. Criteria: Invitae Variant Classification Sherloc (09022015). Collection method: clinical testing. Allele origin: germline.

Blueprint Genetics
Classification: Likely benign. Last evaluated: 2024-08-29. Review status: criteria provided, single submitter. Criteria: ACMG Guidelines, 2015. Collection method: clinical testing. Allele origin: germline.

Mendelics
Classification: Uncertain significance for Epidermolytic palmoplantar keratoderma, 1. Last evaluated: 2019-05-28. Review status: criteria provided, single submitter. Criteria: Mendelics Assertion Criteria 2017. Collection method: clinical testing. Allele origin: unknown.

Illumina Laboratory Services, Illumina
Classification: Likely benign for Epidermolytic palmoplantar keratoderma, 1. Last evaluated: 2017-04-27. Review status: criteria provided, single submitter. Criteria: ICSL Variant Classification Criteria 13 December 2019. Collection method: clinical testing. Allele origin: germline.
Comment: This variant was observed as part of a predisposition screen in an ostensibly healthy population. A literature search was performed for the gene, cDNA change, and amino acid change (where applicable). No publications were found based on this search. Allele frequency data from public databases allowed determination this variant is unlikely to cause disease. Therefore, this variant is classified as likely benign.

Soonchunhyang University Bucheon Hospital, Soonchunhyang University Medical Center
Classification: Uncertain significance for Epidermolytic palmoplantar keratoderma, 1. Last evaluated: 2016-03-18. Review status: criteria provided, single submitter. Criteria: ACMG Guidelines, 2015. Collection method: reference population. Allele origin: germline. Observed: 4 variant alleles.

PreventionGenetics, part of Exact Sciences
Classification: Likely benign for KRT9-related condition. Last evaluated: 2024-06-28. Review status: no assertion criteria provided. Collection method: clinical testing. Allele origin: germline. Not counted in ClinVar's aggregate classification.
Comment: This variant is classified as likely benign based on ACMG/AMP sequence variant interpretation guidelines (Richards et al. 2015 PMID: 25741868, with internal and published modifications).

Epithelial Biology;  Institute of Medical Biology, Singapore
No classification provided. Review status: no classification provided. Collection method: not provided. Allele origin: not provided. Not counted in ClinVar's aggregate classification.

Literature cited by the submitters: PubMed 20964665 (cited by Soonchunhyang University Bucheon Hospital, Soonchunhyang University Medical Center).

NM_000226.4(KRT9):c.1216T>C (p.Cys406Arg)

Gene: KRT9 (keratin 9; minus strand). Cytogenetic location: 17q21.2.
Variant type: single nucleotide variant.
Coding change: c.1216T>C on transcript NM_000226.4 (MANE Select); coding-DNA position 1216, T replaced by C.
Protein change: p.Cys406Arg; replaces cysteine 406 with arginine.
Molecular consequence: missense variant.
Genome position (GRCh38, 1-based): chr17:41,568,340, A>G on the plus strand (T>C on the coding strand, the complement: KRT9 is on the minus strand). VCF-style: chr17-41568340-A-G. GRCh37 (hg19) VCF-style: chr17-39724592-A-G.
Other names: short protein forms C406R.
Identifiers: ClinVar variation 66145 (VCV000066145.17), dbSNP rs77688767, ClinGen allele CA216546.